The following is an entry in ClinVar:

ClinVar aggregate classification (germline): Uncertain significance (1 of 4 stars; one submission).

Conditions:
Kabuki syndrome 2 (KABUK2). Also called: KDM6A-Related Kabuki Syndrome. Identifiers: Orphanet 2322, MedGen C3275495, MONDO:0010465, OMIM 300867.

Allele frequency attached by ClinVar (database versions not stated): ExAC 0.00001; gnomAD exomes 0.00001.

Submission:

Labcorp Genetics (formerly Invitae), Labcorp
Classification: Uncertain significance for Kabuki syndrome 2. Last evaluated: 2022-06-13. Review status: criteria provided, single submitter. Criteria: Invitae Variant Classification Sherloc (09022015). Collection method: clinical testing. Allele origin: germline.
Comment: In summary, the available evidence is currently insufficient to determine the role of this variant in disease. Therefore, it has been classified as a Variant of Uncertain Significance. Algorithms developed to predict the effect of missense changes on protein structure and function are either unavailable or do not agree on the potential impact of this missense change (SIFT: "Tolerated"; PolyPhen-2: "Possibly Damaging"; Align-GVGD: "Class C0"). This variant has not been reported in the literature in individuals affected with KDM6A-related conditions. This variant is present in population databases (rs777683511, gnomAD 0.005%), including at least one homozygous and/or hemizygous individual. This sequence change replaces isoleucine, which is neutral and non-polar, with valine, which is neutral and non-polar, at codon 311 of the KDM6A protein (p.Ile311Val).

NM_001291415.2(KDM6A):c.931A>G (p.Ile311Val)

Gene: KDM6A (lysine demethylase 6A; plus strand). Cytogenetic location: Xp11.3.
Variant type: single nucleotide variant.
Coding change: c.931A>G on transcript NM_001291415.2 (MANE Select); coding-DNA position 931, A replaced by G.
Protein change: p.Ile311Val; replaces isoleucine 311 with valine.
Molecular consequence: missense variant. On other transcripts: non-coding transcript variant (1).
Genome position (GRCh38, 1-based): chrX:45,059,061, A>G. VCF-style: chrX-45059061-A-G. GRCh37 (hg19) VCF-style: chrX-44918306-A-G.
Other names: c.931A>G, p.Ile311Val (NM_001291416.2, NM_001291417.2, NM_001291418.2 and 1 more transcripts); c.178A>G, p.Ile60Val (NM_001291421.2); short protein forms I60V, I311V.
Identifiers: ClinVar variation 1517438 (VCV001517438.8), dbSNP rs777683511, ClinGen allele CA10392297.